The following is an entry in ClinVar:

ClinVar aggregate classification (germline): Likely benign. Review status: criteria provided, multiple submitters, no conflicts (2 of 4 stars). 2 submissions from 2 submitters: Likely benign (2). Last evaluated 2025-04-28.

Submissions (2):

Mayo Clinic Laboratories, Mayo Clinic
Classification: Likely benign. Last evaluated: 2025-04-28. Review status: criteria provided, single submitter. Criteria: ACMG Guidelines, 2015. Collection method: clinical testing. Allele origin: germline. Observed: 2 variant alleles.
Comment: BP4, BP7

Labcorp Genetics (formerly Invitae), Labcorp
Classification: Likely benign. Last evaluated: 2025-01-27. Review status: criteria provided, single submitter. Criteria: Invitae Variant Classification Sherloc (09022015). Collection method: clinical testing. Allele origin: germline.

NM_003647.3(DGKE):c.1413-7A>C

Gene: DGKE (diacylglycerol kinase epsilon; plus strand). Cytogenetic location: 17q22.
Variant type: single nucleotide variant.
Coding change: c.1413-7A>C on transcript NM_003647.3 (MANE Select); 7 bases into the intron before coding-DNA position 1413, A replaced by C.
Molecular consequence: intron variant.
Genome position (GRCh38, 1-based): chr17:56,862,133, A>C. VCF-style: chr17-56862133-A-C. GRCh37 (hg19) VCF-style: chr17-54939494-A-C.
Other names: p.?.
Identifiers: ClinVar variation 3671713 (VCV003671713.3).